The following is an entry in ClinVar:

NM_014244.5(ADAMTS2):c.2689G>A (p.Ala897Thr)

Gene: ADAMTS2 (ADAM metallopeptidase with thrombospondin type 1 motif 2; minus strand). Cytogenetic location: 5q35.3.
Variant type: single nucleotide variant.
Coding change: c.2689G>A on transcript NM_014244.5 (MANE Select); coding-DNA position 2689, G replaced by A.
Protein change: p.Ala897Thr; replaces alanine 897 with threonine.
Molecular consequence: missense variant.
Genome position (GRCh38, 1-based): chr5:179,126,059, C>T on the plus strand (G>A on the coding strand, the complement: ADAMTS2 is on the minus strand). VCF-style: chr5-179126059-C-T. GRCh37 (hg19) VCF-style: chr5-178553060-C-T.
Other names: short protein forms A897T.
Identifiers: ClinVar variation 850425 (VCV000850425.8), dbSNP rs748245637, ClinGen allele CA3595466.

ClinVar aggregate classification (germline): Conflicting classifications of pathogenicity. Review status: criteria provided, conflicting classifications (1 of 4 stars). 4 submissions from 4 submitters: Uncertain significance (2); Likely benign (1). 1 of the submissions does not count toward it. Last evaluated 2025-05-23.

Conditions:
ADAMTS2-related disorder. Also called: ADAMTS2-related condition.
Ehlers-Danlos syndrome (EDS). Identifiers: Orphanet 98249, MedGen C0013720, MONDO:0020066.
Ehlers-Danlos syndrome, dermatosparaxis type. Also called: Dermatosparaxis; EDS VIIC; Ehlers-Danlos syndrome, type VII, autosomal recessive. Identifiers: Orphanet 1901, MedGen C2700425, MONDO:0009161, OMIM 225410.

Allele frequency attached by ClinVar (database versions not stated): gnomAD 0.00005 and 0.00006; gnomAD exomes 0.00005 and 0.00012; TOPMed 0.00006; ExAC 0.00005.
gnomAD v4.1: 82 of 1,613,250 alleles (0.0051%); highest among the groups gnomAD compares: East Asian, 0.1%; no homozygotes.

Submissions (4):

PreventionGenetics, part of Exact Sciences
Classification: Likely benign for ADAMTS2-related condition. Last evaluated: 2025-05-23. Review status: criteria provided, single submitter. Criteria: ACMG Guidelines, 2015. Collection method: clinical testing. Allele origin: germline.
Comment: This variant is classified as likely benign based on ACMG/AMP sequence variant interpretation guidelines (Richards et al. 2015 PMID: 25741868, with internal and published modifications).

Genome Diagnostics Laboratory, The Hospital for Sick Children
Classification: Uncertain significance for Ehlers-Danlos syndrome. Last evaluated: 2022-04-04. Review status: criteria provided, single submitter. Criteria: ACMG Guidelines, 2015. Collection method: clinical testing. Allele origin: germline.

Labcorp Genetics (formerly Invitae), Labcorp
Classification: Uncertain significance for Ehlers-Danlos syndrome, dermatosparaxis type. Last evaluated: 2022-04-01. Review status: criteria provided, single submitter. Criteria: Invitae Variant Classification Sherloc (09022015). Collection method: clinical testing. Allele origin: germline.
Comment: This sequence change replaces alanine, which is neutral and non-polar, with threonine, which is neutral and polar, at codon 897 of the ADAMTS2 protein (p.Ala897Thr). This variant is present in population databases (rs748245637, gnomAD 0.2%). This variant has not been reported in the literature in individuals affected with ADAMTS2-related conditions. ClinVar contains an entry for this variant (Variation ID: 850425). Algorithms developed to predict the effect of missense changes on protein structure and function output the following: SIFT: "Tolerated"; PolyPhen-2: "Benign"; Align-GVGD: "Class C0". The threonine amino acid residue is found in multiple mammalian species, which suggests that this missense change does not adversely affect protein function. In summary, the available evidence is currently insufficient to determine the role of this variant in disease. Therefore, it has been classified as a Variant of Uncertain Significance.

Natera, Inc.
Classification: Uncertain significance for Ehlers-Danlos syndrome type VIIC. Last evaluated: 2020-02-13. Review status: no assertion criteria provided. Collection method: clinical testing. Allele origin: germline. Not counted in ClinVar's aggregate classification.